The following is an entry in ClinVar:

ClinVar aggregate classification (germline): Likely benign. Review status: criteria provided, single submitter (1 of 4 stars). 2 submissions from 2 submitters: Likely benign (1). 1 of the submissions does not count toward it. Last evaluated 2024-11-26.

Conditions:
Fanconi anemia (FA). Also called: Fanconi's anemia. Identifiers: Orphanet 84, MedGen C0015625, MeSH D005199, MONDO:0019391.
FANCI-related disorder. Also called: FANCI-related condition.

Allele frequency attached by ClinVar (database versions not stated): TOPMed 0.00001; gnomAD 0.00001.
gnomAD v4.1: 33 of 1,613,784 alleles (0.002%); highest among the groups gnomAD compares: Middle Eastern, 0.016%; no homozygotes.

Submissions (2):

Labcorp Genetics (formerly Invitae), Labcorp
Classification: Likely benign for Fanconi anemia. Last evaluated: 2024-11-26. Review status: criteria provided, single submitter. Criteria: Invitae Variant Classification Sherloc (09022015). Collection method: clinical testing. Allele origin: germline.

PreventionGenetics, part of Exact Sciences
Classification: Likely benign for FANCI-related condition. Last evaluated: 2022-02-28. Review status: no assertion criteria provided. Collection method: clinical testing. Allele origin: germline. Not counted in ClinVar's aggregate classification.
Comment: This variant is classified as likely benign based on ACMG/AMP sequence variant interpretation guidelines (Richards et al. 2015 PMID: 25741868, with internal and published modifications).

NM_001113378.2(FANCI):c.1557T>C (p.Leu519=)

Gene: FANCI (FA complementation group I; plus strand). Cytogenetic location: 15q26.1.
Variant type: single nucleotide variant.
Coding change: c.1557T>C on transcript NM_001113378.2 (MANE Select); coding-DNA position 1557, T replaced by C.
Protein change: p.Leu519=; no amino-acid change (leucine 519 retained).
Molecular consequence: synonymous variant.
Genome position (GRCh38, 1-based): chr15:89,281,809, T>C. VCF-style: chr15-89281809-T-C. GRCh37 (hg19) VCF-style: chr15-89825040-T-C.
Other names: c.1278T>C, p.Leu426= (NM_001376910.1); c.1557T>C, p.Leu519= (NM_001376911.1, NM_018193.3).
Identifiers: ClinVar variation 695792 (VCV000695792.9), dbSNP rs138767485, ClinGen allele CA7723054.